The following is an entry in ClinVar:

NM_000057.4(BLM):c.3121C>T (p.Leu1041Phe)

Gene: BLM (BLM RecQ like helicase; plus strand). Cytogenetic location: 15q26.1.
Variant type: single nucleotide variant.
Coding change: c.3121C>T on transcript NM_000057.4 (MANE Select); coding-DNA position 3121, C replaced by T.
Protein change: p.Leu1041Phe; replaces leucine 1041 with phenylalanine.
Molecular consequence: missense variant.
Genome position (GRCh38, 1-based): chr15:90,794,268, C>T. VCF-style: chr15-90794268-C-T. GRCh37 (hg19) VCF-style: chr15-91337498-C-T.
Other names: c.3121C>T, p.Leu1041Phe (NM_001287246.2, NM_001287247.2); c.1996C>T, p.Leu666Phe (NM_001287248.2); short protein forms L1041F, L666F.
Identifiers: ClinVar variation 1447049 (VCV001447049.9), dbSNP rs1224723855, ClinGen allele CA393846882.

ClinVar aggregate classification (germline): Uncertain significance. Review status: criteria provided, multiple submitters, no conflicts (2 of 4 stars). 2 submissions from 2 submitters: Uncertain significance (2). Last evaluated 2024-04-15.

Conditions:
Bloom syndrome (BLM). Also called: Bloom-Torre-Machacek syndrome. Identifiers: Orphanet 125, MedGen C0005859, MONDO:0008876, OMIM 210900.

Allele frequency attached by ClinVar (database versions not stated): gnomAD exomes below 0.00001.
gnomAD v4.1: 1 of 1,607,060 alleles (0.000062%); highest among the groups gnomAD compares: Admixed American, 0.0017%; no homozygotes.

Submissions (2):

Labcorp Genetics (formerly Invitae), Labcorp
Classification: Uncertain significance for Bloom syndrome. Last evaluated: 2024-04-15. Review status: criteria provided, single submitter. Criteria: Invitae Variant Classification Sherloc (09022015). Collection method: clinical testing. Allele origin: germline.
Comment: This sequence change replaces leucine, which is neutral and non-polar, with phenylalanine, which is neutral and non-polar, at codon 1041 of the BLM protein (p.Leu1041Phe). This variant is present in population databases (no rsID available, gnomAD 0.003%). This variant has not been reported in the literature in individuals affected with BLM-related conditions. ClinVar contains an entry for this variant (Variation ID: 1447049). Advanced modeling of protein sequence and biophysical properties (such as structural, functional, and spatial information, amino acid conservation, physicochemical variation, residue mobility, and thermodynamic stability) performed at Invitae indicates that this missense variant is expected to disrupt BLM protein function with a positive predictive value of 80%. In summary, the available evidence is currently insufficient to determine the role of this variant in disease. Therefore, it has been classified as a Variant of Uncertain Significance.

Blueprint Genetics
Classification: Uncertain significance. Last evaluated: 2022-08-18. Review status: criteria provided, single submitter. Criteria: ACMG Guidelines, 2015. Collection method: clinical testing. Allele origin: germline.